The following is an entry in ClinVar:

NM_000179.3(MSH6):c.3519_3520insA (p.Phe1174fs)

Gene: MSH6 (mutS homolog 6; plus strand). Cytogenetic location: 2p16.3.
Variant type: Insertion.
Coding change: c.3519_3520insA on transcript NM_000179.3 (MANE Select); coding-DNA positions 3519 to 3520, A inserted.
Protein change: p.Phe1174fs; shifts the reading frame from phenylalanine 1174.
Molecular consequence: frameshift variant.
Genome position: GRCh38 VCF-style: chr2-47804990-G-GA. GRCh37 (hg19) VCF-style: chr2-48032129-G-GA.
Other names: c.3129_3130insA, p.Phe1044fs (NM_001281492.2); c.2613_2614insA, p.Phe872fs (NM_001281493.2, NM_001281494.2); short protein forms F872fs, F1044fs, F1174fs.
Identifiers: ClinVar variation 89407 (VCV000089407.2), dbSNP rs63750296, ClinGen allele CA013268.

ClinVar aggregate classification (germline): Pathogenic (3 of 4 stars; one submission).

Conditions:
Lynch syndrome. Identifiers: Orphanet 144, MedGen C4552100, MONDO:0005835. Disease mechanism: loss of function.

Submission:

International Society for Gastrointestinal Hereditary Tumours (InSiGHT)
Classification: Pathogenic for Lynch Syndrome. Last evaluated: 2013-09-05. Review status: reviewed by expert panel. Criteria: Guidelines v1.9. Collection method: research. Allele origin: germline.
Comment: Coding sequence variation resulting in a stop codon

Classified with v1.9 guidelines